The following is an entry in ClinVar:

NM_032043.3(BRIP1):c.2281T>G (p.Cys761Gly)

Gene: BRIP1 (BRCA1 interacting DNA helicase 1; minus strand). Cytogenetic location: 17q23.2.
Variant type: single nucleotide variant.
Coding change: c.2281T>G on transcript NM_032043.3 (MANE Select); coding-DNA position 2281, T replaced by G.
Protein change: p.Cys761Gly; replaces cysteine 761 with glycine.
Molecular consequence: missense variant.
Genome position (GRCh38, 1-based): chr17:61,743,111, A>C on the plus strand (T>G on the coding strand, the complement: BRIP1 is on the minus strand). VCF-style: chr17-61743111-A-C. GRCh37 (hg19) VCF-style: chr17-59820472-A-C.
Other names: short protein forms C761G.
Identifiers: ClinVar variation 461100 (VCV000461100.14), dbSNP rs1422958547, ClinGen allele CA400482721.

ClinVar aggregate classification (germline): Uncertain significance. Review status: criteria provided, multiple submitters, no conflicts (2 of 4 stars). 2 submissions from 2 submitters: Uncertain significance (2). Last evaluated 2025-08-13.

Conditions:
Hereditary cancer-predisposing syndrome. Also called: Hereditary neoplastic syndrome; Neoplastic Syndromes, Hereditary; Tumor predisposition; Hereditary Cancer Syndrome. Identifiers: Orphanet 140162, MedGen C0027672, MeSH D009386, MONDO:0015356.
Fanconi anemia complementation group J. Also called: BRIP1-Related Fanconi Anemia. Identifiers: Orphanet 84, MedGen C1836860, MONDO:0012187, OMIM 609054.
Familial cancer of breast. Also called: BREAST CANCER, FAMILIAL; hereditary breast carcinoma; Hereditary breast cancer. Identifiers: Orphanet 227535, MedGen C0346153, MONDO:0016419, OMIM 114480. Disease mechanism: loss of function.

Allele frequency attached by ClinVar (database versions not stated): TOPMed below 0.00001; gnomAD 0.00001.
gnomAD v4.1: 1 of 1,613,924 alleles (0.000062%); highest among the groups gnomAD compares: Non-Finnish European, 0.000085%; no homozygotes.

Submissions (2):

Labcorp Genetics (formerly Invitae), Labcorp
Classification: Uncertain significance for Familial cancer of breast; Fanconi anemia complementation group J. Last evaluated: 2025-08-13. Review status: criteria provided, single submitter. Criteria: Invitae Variant Classification Sherloc (09022015). Collection method: clinical testing. Allele origin: germline.
Comment: This sequence change replaces cysteine, which is neutral and slightly polar, with glycine, which is neutral and non-polar, at codon 761 of the BRIP1 protein (p.Cys761Gly). This variant is not present in population databases (gnomAD no frequency). This variant has not been reported in the literature in individuals affected with BRIP1-related conditions. ClinVar contains an entry for this variant (Variation ID: 461100). Invitae Evidence Modeling of protein sequence and biophysical properties (such as structural, functional, and spatial information, amino acid conservation, physicochemical variation, residue mobility, and thermodynamic stability) indicates that this missense variant is expected to disrupt BRIP1 protein function with a positive predictive value of 95%. In summary, the available evidence is currently insufficient to determine the role of this variant in disease. Therefore, it has been classified as a Variant of Uncertain Significance.

Ambry Genetics
Classification: Uncertain significance for Hereditary cancer-predisposing syndrome. Last evaluated: 2021-10-08. Review status: criteria provided, single submitter. Criteria: Ambry Variant Classification Scheme 2023. Collection method: clinical testing. Allele origin: germline.
Comment: The p.C761G variant (also known as c.2281T>G), located in coding exon 15 of the BRIP1 gene, results from a T to G substitution at nucleotide position 2281. The cysteine at codon 761 is replaced by glycine, an amino acid with highly dissimilar properties. This amino acid position is highly conserved in available vertebrate species. In addition, this alteration is predicted to be deleterious by in silico analysis. Since supporting evidence is limited at this time, the clinical significance of this alteration remains unclear.